The following is an entry in ClinVar:

ClinVar aggregate classification (germline): Conflicting classifications of pathogenicity. Review status: criteria provided, conflicting classifications (1 of 4 stars). 4 submissions from 4 submitters: Uncertain significance (1); Likely benign (3). Last evaluated 2026-01-08.

Conditions:
Autosomal recessive ataxia, Beauce type. Also called: SYNE1 Deficiency; SYNE1-Related Autosomal Recessive Cerebellar Ataxia; ATAXIA, RECESSIVE, OF BEAUCE; Spinocerebellar ataxia, autosomal recessive 8. Identifiers: Orphanet 88644, MedGen C1853116, MONDO:0012549, OMIM 610743.
Emery-Dreifuss muscular dystrophy 4, autosomal dominant (EDMD4). Also called: EMERY-DREIFUSS MUSCULAR DYSTROPHY 4 WITH VARIABLE FEATURES. Identifiers: Orphanet 261, MedGen C2751807, MONDO:0013071, OMIM 612998.
SYNE1-related disorder. Also called: SYNE1-related disease; SYNE1-related condition; SYNE1-related disorders.

Allele frequency attached by ClinVar (database versions not stated): gnomAD exomes 0.00001; gnomAD 0.00002 and 0.00001; TOPMed 0.00012.
gnomAD v4.1: 12 of 1,613,728 alleles (0.00074%); highest among the groups gnomAD compares: Admixed American, 0.017%; no homozygotes.

Submissions (4):

PreventionGenetics, part of Exact Sciences
Classification: Likely benign for SYNE1-related condition. Last evaluated: 2026-01-08. Review status: criteria provided, single submitter. Criteria: ACMG Guidelines, 2015. Collection method: clinical testing. Allele origin: germline.
Comment: This variant is classified as likely benign based on ACMG/AMP sequence variant interpretation guidelines (Richards et al. 2015 PMID: 25741868, with internal and published modifications).

Athena Diagnostics
Classification: Likely benign. Last evaluated: 2025-09-04. Review status: criteria provided, single submitter. Criteria: Athena Diagnostics Criteria. Collection method: clinical testing. Allele origin: unknown.
Comment: Computational tools yielded predictions that this variant is unlikely to have an effect on normal RNA splicing. This nucleotide position exhibits low evolutionary conservation.

Labcorp Genetics (formerly Invitae), Labcorp
Classification: Likely benign for Emery-Dreifuss muscular dystrophy 4, autosomal dominant; Autosomal recessive ataxia, Beauce type. Last evaluated: 2023-10-13. Review status: criteria provided, single submitter. Criteria: Invitae Variant Classification Sherloc (09022015). Collection method: clinical testing. Allele origin: germline.

Eurofins Ntd Llc (ga)
Classification: Uncertain significance. Last evaluated: 2018-05-02. Review status: criteria provided, single submitter. Criteria: EGL ClinVar v180209 classification definitions. Collection method: clinical testing. Allele origin: germline. Observed: 1 variant allele, 1 heterozygote.

NM_182961.4(SYNE1):c.1887A>G (p.Leu629=)

Gene: SYNE1 (spectrin repeat containing nuclear envelope protein 1; minus strand). Cytogenetic location: 6q25.2.
Variant type: single nucleotide variant.
Coding change: c.1887A>G on transcript NM_182961.4 (MANE Select); coding-DNA position 1887, A replaced by G.
Protein change: p.Leu629=; no amino-acid change (leucine 629 retained).
Molecular consequence: synonymous variant.
Genome position (GRCh38, 1-based): chr6:152,465,303, T>C on the plus strand (A>G on the coding strand, the complement: SYNE1 is on the minus strand). VCF-style: chr6-152465303-T-C. GRCh37 (hg19) VCF-style: chr6-152786438-T-C.
Other names: c.1908A>G, p.Leu636= (NM_033071.5); c.1908A>G (NM_033071.3); c.1887A>G (NM_182961.2).
Identifiers: ClinVar variation 596987 (VCV000596987.15), dbSNP rs972467458, ClinGen allele CA150204915.
Genomic context (GRCh38, chr6:152,465,303, plus strand): 5'-ATGAACCAATCTTACCTTTTTGGCATTTTCTGATTGATTGAGCATTTTTTCAGCATCCTC[T>C]AGCCAGGCTTGCAGACTAGCCACTGTATTGCCATAGCGATCCCAGTTAGAGATCACTTCT-3'
Protein context (NP_892006.3, residues 619-639): GNTVASLQAW[Leu629=]EDAEKMLNQS